The following is an entry in ClinVar:

NM_007294.4(BRCA1):c.5193+1G>A

Gene: BRCA1 (BRCA1 DNA repair associated; minus strand). Cytogenetic location: 17q21.31.
Variant type: single nucleotide variant.
Coding change: c.5193+1G>A on transcript NM_007294.4 (MANE Select); the canonical splice donor site of the intron after coding-DNA position 5193, G replaced by A.
Molecular consequence: splice donor variant.
Genome position (GRCh38, 1-based): chr17:43,063,332, C>T on the plus strand (G>A on the coding strand, the complement: BRCA1 is on the minus strand). VCF-style: chr17-43063332-C-T. GRCh37 (hg19) VCF-style: chr17-41215349-C-T.
Other names: IVS19+1G>A; c.4980+1G>A (NM_001407910.1, NM_001407904.1, NM_001407895.1 and 12 more transcripts); c.4983+1G>A (NM_001407884.1, NM_001407879.1, NM_001407882.1 and 5 more transcripts); c.5181+1G>A (NM_001407646.1); c.1755+1G>A (NM_001408445.1, NM_001408450.1, NM_001408447.1 and 2 more transcripts); c.1758+1G>A (NM_001408432.1, NM_001408443.1, NM_001408439.1 and 10 more transcripts); c.5064+1G>A (NM_001407689.1, NM_001407681.1, NM_001407687.1 and 6 more transcripts); c.5067+1G>A (NM_001407670.1, NM_001407675.1, NM_001407680.1 and 10 more transcripts); and 73 more.
Identifiers: ClinVar variation 96942 (VCV000096942.19), dbSNP rs80358004, ClinGen allele CA003336.
Genomic context (GRCh38, chr17:43,063,332, plus strand): 5'-ACATTTTTAACTATATGACTGAATGAATATCTCTGGTTAGTTTGTAACATCAAGTACTTA[C>T]CTCATTCAGCATTTTTCTTTCTTTAATAGACTGGGTCACCCCTAAAGAGATCATAGAAAA-3'

ClinVar aggregate classification (germline): Pathogenic. Review status: criteria provided, multiple submitters, no conflicts (2 of 4 stars). 6 submissions from 6 submitters: Pathogenic (4). 2 of the submissions do not count toward it. Last evaluated 2026-01-07.

Conditions:
Hereditary cancer-predisposing syndrome. Also called: Hereditary Cancer Syndrome; Neoplastic Syndromes, Hereditary; Hereditary neoplastic syndrome; Tumor predisposition. Identifiers: Orphanet 140162, MedGen C0027672, MeSH D009386, MONDO:0015356.
Breast-ovarian cancer, familial, susceptibility to, 1 (BROVCA1). Also called: BRCA1 Hereditary Breast and Ovarian Cancer; OVARIAN CANCER, SUSCEPTIBILITY TO. Identifiers: Orphanet 145, MedGen C2676676, MONDO:0011450, OMIM 604370. Disease mechanism: loss of function.
Hereditary breast ovarian cancer syndrome. Also called: Hereditary breast and/or ovarian cancer syndrome; Hereditary breast and ovarian cancer syndrome; Hereditary breast and ovarian cancer; Hereditary breast and ovarian cancer syndrome (HBOC); Breast and ovarian cancer; BRCA1- and BRCA2-Associated Hereditary Breast and Ovarian Cancer. Identifiers: Orphanet 145, MedGen C0677776, MeSH D061325, MONDO:0003582. Disease mechanism: loss of function.

Submissions (7):

Labcorp Genetics (formerly Invitae), Labcorp
Classification: Pathogenic for Hereditary breast ovarian cancer syndrome. Last evaluated: 2026-01-07. Review status: criteria provided, single submitter. Criteria: Invitae Variant Classification Sherloc (09022015). Collection method: clinical testing. Allele origin: germline.
Comment: This sequence change affects a donor splice site in intron 18 of the BRCA1 gene. It is expected to disrupt RNA splicing. Variants that disrupt the donor or acceptor splice site typically lead to a loss of protein function (PMID: 16199547), and loss-of-function variants in BRCA1 are known to be pathogenic (PMID: 20104584). This variant is not present in population databases (gnomAD no frequency). Disruption of this splice site has been observed in individual(s) with personal and family history of breast and/or ovarian cancer (PMID: 25428789, 29297111, 29446198, 29487695, 30702160). This variant is also known as 5312(ivs19)(+1)G>A or IVS19+1G>A. ClinVar contains an entry for this variant (Variation ID: 96942). Based on a multifactorial likelihood algorithm using genetic, in silico, and/or statistical data, this variant has been determined to have a high probability of being pathogenic (PMID: 31131967). Experimental studies have shown that disruption of this splice site affects BRCA1 function (PMID: 30209399). Algorithms developed to predict the effect of sequence changes on RNA splicing suggest that this variant may disrupt the consensus splice site. For these reasons, this variant has been classified as Pathogenic.

Ambry Genetics
Classification: Pathogenic for Hereditary cancer-predisposing syndrome. Last evaluated: 2025-11-14. Review status: criteria provided, single submitter. Criteria: Ambry Variant Classification Scheme 2023. Collection method: clinical testing. Allele origin: germline.
Comment: The c.5193+1G>A intronic pathogenic mutation results from a G to A substitution one nucleotide after coding exon 17 of the BRCA1 gene. This alteration has been identified in numerous breast and/or ovarian cancer cohorts (Bhaskaran SP et al. Int. J. Cancer, 2019 08;145:962-973; Rebbeck TR et al. Hum. Mutat., 2018 05;39:593-620; Churpek JE et al. Breast Cancer Res. Treat., 2015 Jan;149:31-9; Alhuqail AJ et al. Breast Cancer Res. Treat., 2018 Apr;168:695-702; Kwong A et al. Oncotarget, 2018 Jan;9:7832-7843; Laitman Y et al. Hum. Mutat., 2019 11;40:e1-e23; Momozawa Y et al. Nat Commun, 2018 10;9:4083). RNA studies have demonstrated that this alteration results in abnormal splicing in the set of samples tested (Ambry internal data). In addition one functional study found that this nucleotide substitution is deleterious in a high throughput, genome editing, haploid cell survival assay (Findlay GM et al. Nature, 2018 10;562:217-222). This variant is considered to be rare based on population cohorts in the Genome Aggregation Database (gnomAD). Based on the supporting evidence, this alteration is interpreted as a disease-causing mutation.

Quest Diagnostics Nichols Institute San Juan Capistrano
Classification: Pathogenic. Last evaluated: 2020-12-04. Review status: criteria provided, single submitter. Criteria: Quest Diagnostics criteria. Collection method: clinical testing. Allele origin: unknown.
Comment: This variant is located in a canonical splice-donor site and interferes with normal BRCA1 mRNA splicing. In addition, this variant has been reported in multiple individuals affected with breast cancer in the published literature (PMID: 25428789 (2015), 29297111 (2018), 29446198 (2018), and 29487695 (2018)). Furthermore, one study showed this variant apparently lost functional activity in a large-scale study using a haploid cell line (PMID: 30209399 (2018)). This variant has not been reported in large, multi-ethnic general populations.Therefore, the variant is classified as pathogenic.

Consortium of Investigators of Modifiers of BRCA1/2 (CIMBA), c/o University of Cambridge
Classification: Pathogenic for Breast-ovarian cancer, familial, susceptibility to, 1. Last evaluated: 2015-10-02. Review status: criteria provided, single submitter. Criteria: CIMBA Mutation Classification guidelines May 2016. Collection method: clinical testing. Allele origin: germline.

Breast Cancer Information Core (BIC) (BRCA1)
Classification: Pathogenic for Breast-ovarian cancer, familial 1. Last evaluated: 2013-03-25. Review status: no assertion criteria provided. Collection method: clinical testing. Allele origin: germline. Affected: yes. Observed: 2 variant alleles. Not counted in ClinVar's aggregate classification.

Sharing Clinical Reports Project (SCRP)
Classification: Pathogenic for Breast-ovarian cancer, familial 1. Last evaluated: 2012-05-01. Review status: no assertion criteria provided. Collection method: clinical testing. Allele origin: germline. Not counted in ClinVar's aggregate classification.

Brotman Baty Institute, University of Washington
No classification provided (evidence only). Condition: Breast-ovarian cancer, familial 1. Review status: no classification provided. Collection method: in vitro. Allele origin: not applicable. Functional consequence: functionally_abnormal. Not counted in ClinVar's aggregate classification.
ClinVar note: "not provided" was previously submitted as the classification for the variant. However, the classification appeared to be based only on an observation of functional data so it was converted to no classification on 2025-07-30.

Literature cited by the submitters: PubMed 16199547 (cited by Labcorp Genetics (formerly Invitae), Labcorp); PubMed 20104584 (cited by Labcorp Genetics (formerly Invitae), Labcorp); PubMed 25428789 (cited by 3 submitters); PubMed 29297111 (cited by 3 submitters); PubMed 29446198 (cited by 3 submitters); PubMed 29487695 (cited by 3 submitters); PubMed 30702160 (cited by 3 submitters); PubMed 31131967 (cited by Labcorp Genetics (formerly Invitae), Labcorp); PubMed 30209399 (cited by 3 submitters); PubMed 25863477 (cited by Ambry Genetics); PubMed 30287823 (cited by Ambry Genetics); PubMed 31209999 (cited by Ambry Genetics).